The following is an entry in ClinVar:

ClinVar aggregate classification (germline): Uncertain significance (1 of 4 stars; one submission).

Conditions:
Hereditary nonpolyposis colorectal neoplasms. Identifiers: MedGen C0009405, MeSH D003123.

Submission:

Labcorp Genetics (formerly Invitae), Labcorp
Classification: Uncertain significance for Hereditary nonpolyposis colorectal neoplasms. Last evaluated: 2023-04-17. Review status: criteria provided, single submitter. Criteria: Invitae Variant Classification Sherloc (09022015). Collection method: clinical testing. Allele origin: germline.
Comment: In summary, the available evidence is currently insufficient to determine the role of this variant in disease. Therefore, it has been classified as a Variant of Uncertain Significance. Advanced modeling of protein sequence and biophysical properties (such as structural, functional, and spatial information, amino acid conservation, physicochemical variation, residue mobility, and thermodynamic stability) performed at Invitae indicates that this missense variant is not expected to disrupt MSH6 protein function. ClinVar contains an entry for this variant (Variation ID: 1716426). This variant has not been reported in the literature in individuals affected with MSH6-related conditions. This variant is not present in population databases (gnomAD no frequency). This sequence change replaces aspartic acid, which is acidic and polar, with histidine, which is basic and polar, at codon 180 of the MSH6 protein (p.Asp180His).

NM_000179.3(MSH6):c.538G>C (p.Asp180His)

Gene: MSH6 (mutS homolog 6; plus strand). Cytogenetic location: 2p16.3.
Variant type: single nucleotide variant.
Coding change: c.538G>C on transcript NM_000179.3 (MANE Select); coding-DNA position 538, G replaced by C.
Protein change: p.Asp180His; replaces aspartic acid 180 with histidine.
Molecular consequence: missense variant. On other transcripts: 5 prime UTR variant (1), intron variant (2).
Genome position (GRCh38, 1-based): chr2:47,795,974, G>C. VCF-style: chr2-47795974-G-C. GRCh37 (hg19) VCF-style: chr2-48023113-G-C.
Other names: c.-365G>C (NM_001281494.2); c.634G>C, p.Asp212His (NM_001406795.1, NM_001406802.1); c.538G>C, p.Asp180His (NM_001406796.1, NM_001406798.1, NM_001406800.1 and 5 more transcripts); c.241G>C, p.Asp81His (NM_001406797.1, NM_001406801.1, NM_001406805.1 and 10 more transcripts); c.13G>C, p.Asp5His (NM_001406799.1, NM_001406806.1, NM_001406807.1); c.460G>C, p.Asp154His (NM_001406804.1); c.544G>C, p.Asp182His (NM_001406813.1); c.-457G>C (NM_001406814.1); and 3 more; short protein forms D124H, D154H, D180H, D182H, D212H, D5H, D81H.
Identifiers: ClinVar variation 1716426 (VCV001716426.6), dbSNP rs1553411440, ClinGen allele CA346738717.
Genomic context (GRCh38, chr2:47,795,974, plus strand): 5'-CAGAAGGGAGGTCATTTTTACAGTGCAAAGCCTGAAATACTGAGAGCAATGCAACGTGCA[G>C]ATGAAGCCTTAAATAAAGACAAGATTAAGAGGCTTGAATTGGCAGTTTGTGATGAGCCCT-3'
Protein context (NP_000170.1, residues 170-190): PEILRAMQRA[Asp180His]EALNKDKIKR